The following is an entry in ClinVar:

NM_004183.4(BEST1):c.1066C>G (p.Arg356Gly)

Gene: BEST1 (bestrophin 1; plus strand). Cytogenetic location: 11q12.3.
Variant type: single nucleotide variant.
Coding change: c.1066C>G on transcript NM_004183.4 (MANE Select); coding-DNA position 1066, C replaced by G.
Protein change: p.Arg356Gly; replaces arginine 356 with glycine.
Molecular consequence: missense variant. On other transcripts: synonymous variant (1), non-coding transcript variant (1).
Genome position (GRCh38, 1-based): chr11:61,960,009, C>G. VCF-style: chr11-61960009-C-G. GRCh37 (hg19) VCF-style: chr11-61727481-C-G.
Other names: c.886C>G, p.Arg296Gly (NM_001139443.3, NM_001300787.2); c.805C>G, p.Arg269Gly (NM_001300786.2); c.748C>G, p.Arg250Gly (NM_001363591.3); c.1269C>G, p.Val423= (NM_001363592.2); c.94C>G, p.Arg32Gly (NM_001363593.3); short protein forms R250G, R32G, R356G, R269G, R296G.
Identifiers: ClinVar variation 1955446 (VCV001955446.5), dbSNP rs1295669283, ClinGen allele CA380846342.
Genomic context (GRCh38, chr11:61,960,009, plus strand): 5'-ATGTACTGGAATAAGCCCGAGCCACAGCCCCCCTACACAGCTGCTTCCGCCCAGTTCCGT[C>G]GAGCCTCCTTTATGGGCTCCACCTTCAACATCAGGTGTGGCCAGAGCCAGGGGGCTGGGT-3'
Protein context (NP_004174.1, residues 346-366): PYTAASAQFR[Arg356Gly]ASFMGSTFNI

ClinVar aggregate classification (germline): Uncertain significance (1 of 4 stars; one submission).

gnomAD v4.1: 2 of 1,610,838 alleles (0.00012%); highest among the groups gnomAD compares: South Asian, 0.0011%; no homozygotes.

Submission:

Labcorp Genetics (formerly Invitae), Labcorp
Classification: Uncertain significance. Last evaluated: 2025-06-03. Review status: criteria provided, single submitter. Criteria: Invitae Variant Classification Sherloc (09022015). Collection method: clinical testing. Allele origin: germline.
Comment: This sequence change replaces arginine, which is basic and polar, with glycine, which is neutral and non-polar, at codon 356 of the BEST1 protein (p.Arg356Gly). This variant is not present in population databases (gnomAD no frequency). This variant has not been reported in the literature in individuals affected with BEST1-related conditions. ClinVar contains an entry for this variant (Variation ID: 1955446). Invitae Evidence Modeling of protein sequence and biophysical properties (such as structural, functional, and spatial information, amino acid conservation, physicochemical variation, residue mobility, and thermodynamic stability) indicates that this missense variant is expected to disrupt BEST1 protein function with a positive predictive value of 95%. In summary, the available evidence is currently insufficient to determine the role of this variant in disease. Therefore, it has been classified as a Variant of Uncertain Significance.